The following is an entry in ClinVar:

NM_152564.5(VPS13B):c.11815T>A (p.Ser3939Thr)

Gene: VPS13B (vacuolar protein sorting 13 homolog B; plus strand). Cytogenetic location: 8q22.2.
Variant type: single nucleotide variant.
Coding change: c.11815T>A on transcript NM_152564.5 (MANE Select); coding-DNA position 11815, T replaced by A.
Protein change: p.Ser3939Thr; replaces serine 3939 with threonine.
Molecular consequence: missense variant.
Genome position (GRCh38, 1-based): chr8:99,875,487, T>A. VCF-style: chr8-99875487-T-A. GRCh37 (hg19) VCF-style: chr8-100887715-T-A.
Other names: c.11890T>A, p.Ser3964Thr (NM_017890.5); short protein forms S3939T, S3964T.
Identifiers: ClinVar variation 2090336 (VCV002090336.1), dbSNP rs781269212, ClinGen allele CA371795610.

ClinVar aggregate classification (germline): Uncertain significance (1 of 4 stars; one submission).

Conditions:
Cohen syndrome (COH1). Also called: Cutis verticis gyrata, retinitis pigmentosa, and sensorineural deafness; PEPPER SYNDROME. Identifiers: Orphanet 193, MedGen C0265223, MONDO:0008999, OMIM 216550.

Submission:

Labcorp Genetics (formerly Invitae), Labcorp
Classification: Uncertain significance for Cohen syndrome. Last evaluated: 2022-08-23. Review status: criteria provided, single submitter. Criteria: Invitae Variant Classification Sherloc (09022015). Collection method: clinical testing. Allele origin: germline.
Comment: This sequence change replaces serine, which is neutral and polar, with threonine, which is neutral and polar, at codon 3964 of the VPS13B protein (p.Ser3964Thr). This variant is not present in population databases (gnomAD no frequency). This variant has not been reported in the literature in individuals affected with VPS13B-related conditions. Algorithms developed to predict the effect of missense changes on protein structure and function are either unavailable or do not agree on the potential impact of this missense change (SIFT: "Not Available"; PolyPhen-2: "Benign"; Align-GVGD: "Not Available"). In summary, the available evidence is currently insufficient to determine the role of this variant in disease. Therefore, it has been classified as a Variant of Uncertain Significance.